The following is an entry in ClinVar:

NM_003722.5(TP63):c.328C>T (p.Gln110Ter)

Gene: TP63 (tumor protein p63; plus strand). Cytogenetic location: 3q28.
Variant type: single nucleotide variant.
Coding change: c.328C>T on transcript NM_003722.5 (MANE Select); coding-DNA position 328, C replaced by T.
Protein change: p.Gln110Ter; replaces glutamine 110 with a stop codon.
Molecular consequence: nonsense. On other transcripts: intron variant (2).
Genome position (GRCh38, 1-based): chr3:189,808,275, C>T. VCF-style: chr3-189808275-C-T. GRCh37 (hg19) VCF-style: chr3-189526064-C-T.
Other names: c.42+18433C>T (NM_001329146.2, NM_001329150.2); c.328C>T, p.Gln110Ter (NM_001114978.2, NM_001114979.2, NM_001329144.2 and 1 more transcripts); c.46C>T, p.Gln16Ter (NM_001114980.2, NM_001114981.2, NM_001114982.2 and 2 more transcripts); c.322C>T, p.Gln108Ter (NM_001329964.2); short protein forms Q108*, Q110*, Q16*.
Identifiers: ClinVar variation 1451175 (VCV001451175.7), dbSNP rs2108636995, ClinGen allele CA355750321.

ClinVar aggregate classification (germline): Pathogenic (1 of 4 stars; one submission).

Conditions:
TP63-Related Spectrum Disorders.

Submission:

Labcorp Genetics (formerly Invitae), Labcorp
Classification: Pathogenic. Last evaluated: 2024-10-17. Review status: criteria provided, single submitter. Criteria: Invitae Variant Classification Sherloc (09022015). Collection method: clinical testing. Allele origin: germline.
Comment: This sequence change creates a premature translational stop signal (p.Gln110*) in the TP63 gene. It is expected to result in an absent or disrupted protein product. However, the current clinical and genetic evidence is not sufficient to establish whether loss-of-function variants in TP63 cause disease. This variant is not present in population databases (gnomAD no frequency). This premature translational stop signal has been observed in individuals with clinical features of TP63-related disorders (PMID: 18364388, 26470833). It has also been observed to segregate with disease in related individuals. This variant is also known as c.46C>T p.Gln16X. ClinVar contains an entry for this variant (Variation ID: 1451175). Algorithms developed to predict the effect of variants on gene product structure and function are not available or were not evaluated for this variant. Experimental studies have shown that this premature translational stop signal affects TP63 function (PMID: 18364388). For these reasons, this variant has been classified as Pathogenic.

Literature cited by the submitters: PubMed 18364388; PubMed 26470833.